The following is an entry in ClinVar:

ClinVar aggregate classification (germline): Likely pathogenic (1 of 4 stars; one submission).

Submission:

Labcorp Genetics (formerly Invitae), Labcorp
Classification: Likely pathogenic. Last evaluated: 2025-09-11. Review status: criteria provided, single submitter. Criteria: Invitae Variant Classification Sherloc (09022015). Collection method: clinical testing. Allele origin: germline.
Comment: This sequence change creates a premature translational stop signal (p.Gly613Metfs*5) in the COL10A1 gene. While this is not anticipated to result in nonsense mediated decay, it is expected to disrupt the last 68 amino acid(s) of the COL10A1 protein. This variant is not present in population databases (gnomAD no frequency). This variant has not been reported in the literature in individuals affected with COL10A1-related conditions. ClinVar contains an entry for this variant (Variation ID: 2026267). This variant is located in a region of the COL10A1 protein where a significant number of COL10A1 nonsense and frameshift mutations have been reported in association with autosomal dominant metaphyseal chondrodysplasia (PMID: 21447328, 33764685, 36400164). In summary, the currently available evidence indicates that the variant is pathogenic, but additional data are needed to prove that conclusively. Therefore, this variant has been classified as Likely Pathogenic.

Literature cited by the submitters: PubMed 21447328; PubMed 33764685; PubMed 36400164.

NM_000493.4(COL10A1):c.1837_1849del (p.Gly613fs)

Genes: COL10A1 (collagen type X alpha 1 chain; minus strand), NT5DC1 (5'-nucleotidase domain containing 1; plus strand). Cytogenetic location: 6q22.1.
Variant type: Deletion.
Coding change: c.1837_1849del on transcript NM_000493.4 (MANE Select); coding-DNA positions 1837 to 1849, 13 bases deleted (GGCCTGTATAAGA).
Protein change: p.Gly613fs; shifts the reading frame from glycine 613.
Molecular consequence: frameshift variant. On other transcripts: intron variant (1).
Genome position (GRCh38, 1-based): chr6:116,120,267-116,120,279, TCTTATACAGGCC deleted on the plus strand (GGCCTGTATAAGA on the coding strand, the reverse complement: COL10A1 is on the minus strand); deleting any 13 consecutive bases within chr6:116,120,267-116,120,280 gives the same sequence; the c. name uses the placement nearest the transcript's 3' end. VCF-style (leftmost placement, unchanged base first): chr6-116120266-TTCTTATACAGGCC-T. GRCh37 (hg19) VCF-style: chr6-116441429-TTCTTATACAGGCC-T.
Other names: c.1837_1849del, p.Gly613fs (NM_001424106.1, NM_001424107.1); c.529+2323_529+2335del (NM_152729.3); short protein forms G613fs.
Identifiers: ClinVar variation 2026267 (VCV002026267.4), dbSNP rs2534084263, ClinGen allele CA2580074799.